The following is an entry in ClinVar:

NM_001376.5(DYNC1H1):c.4937A>G (p.Asn1646Ser)

Gene: DYNC1H1 (dynein cytoplasmic 1 heavy chain 1; plus strand). Cytogenetic location: 14q32.31.
Variant type: single nucleotide variant.
Coding change: c.4937A>G on transcript NM_001376.5 (MANE Select); coding-DNA position 4937, A replaced by G.
Protein change: p.Asn1646Ser; replaces asparagine 1646 with serine.
Molecular consequence: missense variant.
Genome position (GRCh38, 1-based): chr14:102,004,571, A>G. VCF-style: chr14-102004571-A-G. GRCh37 (hg19) VCF-style: chr14-102470908-A-G.
Other names: short protein forms N1646S.
Identifiers: ClinVar variation 1700357 (VCV001700357.8), dbSNP rs2141288481, ClinGen allele CA391044996.
Genomic context (GRCh38, chr14:102,004,571, plus strand): 5'-ATTTTAGGTTCTATTTTGTGGGTGATGAAGATTTGCTTGAAATCATTGGAAACAGCAAGA[A>G]TGTCGCTAAATTACAGAAACACTTCAAGAAGATGTTTGCTGGAGTTTCGAGCATCATCCT-3'
Protein context (NP_001367.2, residues 1636-1656): DLLEIIGNSK[Asn1646Ser]VAKLQKHFKK

ClinVar aggregate classification (germline): Uncertain significance. Review status: criteria provided, multiple submitters, no conflicts (2 of 4 stars). 2 submissions from 2 submitters: Uncertain significance (2). Last evaluated 2023-09-11.

Conditions:
Inborn genetic diseases. Identifiers: MedGen C0950123, MeSH D030342.

Submissions (2):

GeneDx
Classification: Uncertain significance. Last evaluated: 2023-09-11. Review status: criteria provided, single submitter. Criteria: GeneDx Variant Classification Process June 2021. Collection method: clinical testing. Allele origin: germline. Affected: yes.
Comment: Not observed at significant frequency in large population cohorts (gnomAD); In silico analysis supports that this missense variant has a deleterious effect on protein structure/function; Has not been previously published as pathogenic or benign to our knowledge; This variant is associated with the following publications: (PMID: 25512093, 25609763, 26100331)

Ambry Genetics
Classification: Uncertain significance for Inborn genetic diseases. Last evaluated: 2022-09-14. Review status: criteria provided, single submitter. Criteria: Ambry Variant Classification Scheme 2023. Collection method: clinical testing. Allele origin: germline.